The following is an entry in ClinVar:

NM_024496.4(IRF2BPL):c.1784dup (p.Pro596fs)

Gene: IRF2BPL (interferon regulatory factor 2 binding protein like; minus strand). Cytogenetic location: 14q24.3.
Variant type: Duplication.
Coding change: c.1784dup on transcript NM_024496.4 (MANE Select); coding-DNA position 1784, one base duplicated (G; older notation c.1784dupG).
Protein change: p.Pro596fs; shifts the reading frame from proline 596.
Molecular consequence: frameshift variant.
Genome position (GRCh38, 1-based): chr14:77,026,009, C duplicated on the plus strand (G on the coding strand, the reverse complement: IRF2BPL is on the minus strand); the first of 6 consecutive C bases (chr14:77,026,009-77,026,014); duplicating any one gives the same sequence. VCF-style (leftmost placement, unchanged base first): chr14-77026008-A-AC. GRCh37 (hg19) VCF-style: chr14-77492351-A-AC.
Other names: short protein forms P596fs.
Identifiers: ClinVar variation 4529725 (VCV004529725.2).

ClinVar aggregate classification (germline): Pathogenic/Likely pathogenic. Review status: criteria provided, multiple submitters, no conflicts (2 of 4 stars). 2 submissions from 2 submitters: Pathogenic (1); Likely pathogenic (1). Last evaluated 2025-12-02.

Conditions:
IRF2BPL-related disorder. Also called: IRF2BPL-related condition. Identifiers: MedGen CN381093.

Submissions (2):

GeneDx
Classification: Pathogenic. Last evaluated: 2025-12-02. Review status: criteria provided, single submitter. Criteria: GeneDx Variant Classification Process June 2021. Collection method: clinical testing. Allele origin: germline.
Comment: Frameshift variant predicted to result in abnormal protein length as the last 201 amino acids are replaced with 18 different amino acids, and other similar variants have been reported in HGMD; Not observed at significant frequency in large population cohorts (gnomAD); Has not been previously published as pathogenic or benign to our knowledge

Blueprint Genetics
Classification: Likely pathogenic for IRF2BPL-related disorders. Last evaluated: 2024-03-12. Review status: criteria provided, single submitter. Criteria: ACMG Guidelines, 2015. Collection method: clinical testing. Allele origin: germline. Affected: yes. Observed: 2 variant alleles.